The following is an entry in ClinVar:

NM_002206.3(ITGA7):c.1259G>T (p.Gly420Val)

Gene: ITGA7 (integrin subunit alpha 7; minus strand). Cytogenetic location: 12q13.2.
Variant type: single nucleotide variant.
Coding change: c.1259G>T on transcript NM_002206.3 (MANE Select); coding-DNA position 1259, G replaced by T.
Protein change: p.Gly420Val; replaces glycine 420 with valine.
Molecular consequence: missense variant. On other transcripts: 5 prime UTR variant (1).
Genome position (GRCh38, 1-based): chr12:55,697,960, C>A on the plus strand (G>T on the coding strand, the complement: ITGA7 is on the minus strand). VCF-style: chr12-55697960-C-A. GRCh37 (hg19) VCF-style: chr12-56091744-C-A.
Other names: c.1271G>T, p.Gly424Val (NM_001144996.2, NM_001414029.1); c.980G>T, p.Gly327Val (NM_001144997.2); c.932G>T, p.Gly311Val (NM_001367993.1); c.-34G>T (NM_001367994.1); c.1259G>T, p.Gly420Val (NM_001374465.1, NM_001414034.1); c.1391G>T, p.Gly464Val (NM_001410977.1); c.1184G>T, p.Gly395Val (NM_001414030.1); c.1172G>T, p.Gly391Val (NM_001414031.1); and 3 more; short protein forms G311V, G327V, G420V, G424V, G464V, G359V, G391V, G380V.
Identifiers: ClinVar variation 1024872 (VCV001024872.8), dbSNP rs1873029562, ClinGen allele CA385189835.

ClinVar aggregate classification (germline): Uncertain significance (1 of 4 stars; one submission).

Conditions:
Congenital muscular dystrophy due to integrin alpha-7 deficiency. Also called: MYOPATHY, CONGENITAL, DUE TO INTEGRIN ALPHA-7 DEFICIENCY; Congenital muscular dystrophy with integrin alpha-7 deficiency; Muscular dystrophy, congenital, due to ITGA7 deficiency. Identifiers: Orphanet 34520, MedGen C2750786, MONDO:0013177, OMIM 613204.

Allele frequency attached by ClinVar (database versions not stated): gnomAD exomes below 0.00001; TOPMed 0.00001; gnomAD 0.00002.
gnomAD v4.1: 8 of 1,614,024 alleles (0.0005%); highest among the groups gnomAD compares: Non-Finnish European, 0.00068%; no homozygotes.

Submission:

Labcorp Genetics (formerly Invitae), Labcorp
Classification: Uncertain significance for Congenital muscular dystrophy due to integrin alpha-7 deficiency. Last evaluated: 2022-06-20. Review status: criteria provided, single submitter. Criteria: Invitae Variant Classification Sherloc (09022015). Collection method: clinical testing. Allele origin: germline.
Comment: Algorithms developed to predict the effect of missense changes on protein structure and function are either unavailable or do not agree on the potential impact of this missense change (SIFT: "Deleterious"; PolyPhen-2: "Probably Damaging"; Align-GVGD: "Class C0"). In summary, the available evidence is currently insufficient to determine the role of this variant in disease. Therefore, it has been classified as a Variant of Uncertain Significance. ClinVar contains an entry for this variant (Variation ID: 1024872). This variant has not been reported in the literature in individuals affected with ITGA7-related conditions. This variant is not present in population databases (gnomAD no frequency). This sequence change replaces glycine, which is neutral and non-polar, with valine, which is neutral and non-polar, at codon 420 of the ITGA7 protein (p.Gly420Val).